The following is an entry in ClinVar:

NM_014159.7(SETD2):c.7434G>A (p.Met2478Ile)

Gene: SETD2 (SET domain containing 2, histone lysine methyltransferase; minus strand). Cytogenetic location: 3p21.31.
Variant type: single nucleotide variant.
Coding change: c.7434G>A on transcript NM_014159.7 (MANE Select); coding-DNA position 7434, G replaced by A.
Protein change: p.Met2478Ile; replaces methionine 2478 with isoleucine.
Molecular consequence: missense variant. On other transcripts: non-coding transcript variant (1).
Genome position (GRCh38, 1-based): chr3:47,017,737, C>T on the plus strand (G>A on the coding strand, the complement: SETD2 is on the minus strand). VCF-style: chr3-47017737-C-T. GRCh37 (hg19) VCF-style: chr3-47059227-C-T.
Other names: c.7302G>A, p.Met2434Ile (NM_001349370.3); short protein forms M2434I, M2478I.
Identifiers: ClinVar variation 4630600 (VCV004630600.1).

ClinVar aggregate classification (germline): Uncertain significance (1 of 4 stars; one submission).

Conditions:
Inborn genetic diseases. Identifiers: MedGen C0950123, MeSH D030342.

gnomAD v4.1: 1 of 1,610,564 alleles (0.000062%); highest among the groups gnomAD compares: Non-Finnish European, 0.000085%; no homozygotes.

Submission:

Ambry Genetics
Classification: Uncertain significance for Inborn genetic diseases. Last evaluated: 2025-09-22. Review status: criteria provided, single submitter. Criteria: Ambry Variant Classification Scheme 2023. Collection method: clinical testing. Allele origin: germline.
Comment: The c.7434G>A (p.M2478I) alteration is located in exon 20 (coding exon 20) of the SETD2 gene. This alteration results from a G to A substitution at nucleotide position 7434, causing the methionine (M) at amino acid position 2478 to be replaced by an isoleucine (I). Based on data from gnomAD, the A allele has an overall frequency of <0.001% (1/251278) total alleles studied. The highest observed frequency was 0.001% (1/113568) of European (non-Finnish) alleles. Based on insufficient or conflicting evidence, the clinical significance of this alteration remains unclear.